The following is an entry in ClinVar:

ClinVar aggregate classification (germline): Uncertain significance (1 of 4 stars; one submission).

Conditions:
RYR1-related disorder. Also called: RYR1-related condition; RYR1-related disorders. Identifiers: MedGen CN239331.

Submission:

Labcorp Genetics (formerly Invitae), Labcorp
Classification: Uncertain significance for RYR1-related disorder. Last evaluated: 2025-03-27. Review status: criteria provided, single submitter. Criteria: Invitae Variant Classification Sherloc (09022015). Collection method: clinical testing. Allele origin: germline.
Comment: This sequence change replaces histidine, which is basic and polar, with arginine, which is basic and polar, at codon 3146 of the RYR1 protein (p.His3146Arg). This variant is not present in population databases (gnomAD no frequency). This variant has not been reported in the literature in individuals affected with RYR1-related conditions. Invitae Evidence Modeling of protein sequence and biophysical properties (such as structural, functional, and spatial information, amino acid conservation, physicochemical variation, residue mobility, and thermodynamic stability) indicates that this missense variant is expected to disrupt RYR1 protein function with a positive predictive value of 80%. In summary, the available evidence is currently insufficient to determine the role of this variant in disease. Therefore, it has been classified as a Variant of Uncertain Significance.

NM_000540.3(RYR1):c.9437A>G (p.His3146Arg)

Gene: RYR1 (ryanodine receptor 1; plus strand). Cytogenetic location: 19q13.2.
Variant type: single nucleotide variant.
Coding change: c.9437A>G on transcript NM_000540.3 (MANE Select); coding-DNA position 9437, A replaced by G.
Protein change: p.His3146Arg; replaces histidine 3146 with arginine.
Molecular consequence: missense variant.
Genome position (GRCh38, 1-based): chr19:38,512,448, A>G. VCF-style: chr19-38512448-A-G. GRCh37 (hg19) VCF-style: chr19-39003088-A-G.
Other names: c.9437A>G, p.His3146Arg (NM_001042723.2); short protein forms H3146R.
Identifiers: ClinVar variation 4694804 (VCV004694804.1).